The following is an entry in ClinVar:

ClinVar aggregate classification (germline): Uncertain significance (1 of 4 stars; one submission).

Conditions:
Spastic paraplegia. Identifiers: MedGen C0037772, HP:0001258.

Allele frequency attached by ClinVar (database versions not stated): gnomAD exomes below 0.00001.
gnomAD v4.1: 3 of 1,613,622 alleles (0.00019%); highest among the groups gnomAD compares: Non-Finnish European, 0.00025%; no homozygotes.

Submission:

Labcorp Genetics (formerly Invitae), Labcorp
Classification: Uncertain significance for Spastic paraplegia. Last evaluated: 2021-09-01. Review status: criteria provided, single submitter. Criteria: Invitae Variant Classification Sherloc (09022015). Collection method: clinical testing. Allele origin: germline.
Comment: This sequence change replaces lysine with glutamic acid at codon 207 of the CYP7B1 protein (p.Lys207Glu). The lysine residue is moderately conserved and there is a small physicochemical difference between lysine and glutamic acid. This variant is not present in population databases (ExAC no frequency). This variant has not been reported in the literature in individuals affected with CYP7B1-related conditions. ClinVar contains an entry for this variant (Variation ID: 216598). Algorithms developed to predict the effect of missense changes on protein structure and function (SIFT, PolyPhen-2, Align-GVGD) all suggest that this variant is likely to be tolerated. In summary, the available evidence is currently insufficient to determine the role of this variant in disease. Therefore, it has been classified as a Variant of Uncertain Significance.

NM_004820.5(CYP7B1):c.619A>G (p.Lys207Glu)

Gene: CYP7B1 (cytochrome P450 family 7 subfamily B member 1; minus strand). Cytogenetic location: 8q12.3.
Variant type: single nucleotide variant.
Coding change: c.619A>G on transcript NM_004820.5 (MANE Select); coding-DNA position 619, A replaced by G.
Protein change: p.Lys207Glu; replaces lysine 207 with glutamic acid.
Molecular consequence: missense variant.
Genome position (GRCh38, 1-based): chr8:64,615,922, T>C on the plus strand (A>G on the coding strand, the complement: CYP7B1 is on the minus strand). VCF-style: chr8-64615922-T-C. GRCh37 (hg19) VCF-style: chr8-65528479-T-C.
Other names: c.619A>G, p.Lys207Glu (NM_001324112.2); short protein forms K207E.
Identifiers: ClinVar variation 216598 (VCV000216598.6), dbSNP rs863224730, ClinGen allele CA338576.
Genomic context (GRCh38, chr8:64,615,922, plus strand): 5'-CTAAATATGCAAACTTGTCATCAAATTTTAAAAAATCATCTCTTAGCTCACTAATAAATT[T>C]GTTGTTGTCACAAACAATAACTTTTCCATATATAGTTGTAAATGTGATCTCAAATATTAT-3'
Protein context (NP_004811.1, residues 197-217): YGKVIVCDNN[Lys207Glu]FISELRDDFL